The following is an entry in ClinVar:

ClinVar aggregate classification (germline): Benign/Likely benign. Review status: criteria provided, multiple submitters, no conflicts (2 of 4 stars). 15 submissions from 14 submitters: Benign (8); Likely benign (4). 3 of the submissions do not count toward it. Last evaluated 2026-02-04.

Conditions:
Arrhythmogenic right ventricular dysplasia 12. Also called: ARRHYTHMOGENIC RIGHT VENTRICULAR DYSPLASIA, FAMILIAL, 12. Identifiers: MedGen C1969081, MONDO:0012684, OMIM 611528.
Naxos disease (NXD). Also called: CARDIOMYOPATHY, ARRHYTHMOGENIC RIGHT VENTRICULAR, WITH SKIN, HAIR, AND NAIL ABNORMALITIES; KERATOSIS PALMOPLANTARIS WITH ARRHYTHMOGENIC CARDIOMYOPATHY; MAL DE NAXOS; PALMOPLANTAR KERATODERMA WITH ARRHYTHMOGENIC RIGHT VENTRICULAR CARDIOMYOPATHY AND WOOLLY HAIR; WOOLLY HAIR, PALMOPLANTAR KERATODERMA, AND CARDIAC ABNORMALITIES. Identifiers: Orphanet 34217, MedGen C1832600, MONDO:0011017, OMIM 601214.
Cardiovascular phenotype. Identifiers: MedGen CN230736.
Cardiomyopathy (CMYO). Also called: Cardiomyopathies. Identifiers: Orphanet 167848, MedGen C0878544, MONDO:0004994, HP:0001638. Inheritance: Various modes of inheritance.

Allele frequency attached by ClinVar (database versions not stated): gnomAD exomes 0.00054 and 0.00140; ExAC 0.00162; gnomAD 0.00591 and 0.00620; TOPMed 0.00674; ESP Exome Variant Server 0.00692; 1000 Genomes Project 0.00739; 1000 Genomes Project 30x 0.00750.
gnomAD v4.1: 1,723 of 1,614,162 alleles (0.11%); highest among the groups gnomAD compares: African/African-American, 2%; 21 homozygotes.

Submissions (15):

Labcorp Genetics (formerly Invitae), Labcorp
Classification: Benign for Arrhythmogenic right ventricular dysplasia 12; Naxos disease. Last evaluated: 2026-02-04. Review status: criteria provided, single submitter. Criteria: Invitae Variant Classification Sherloc (09022015). Collection method: clinical testing. Allele origin: germline.

Molecular Diagnostic Laboratory for Inherited Cardiovascular Disease, Montreal Heart Institute
Classification: Benign. Last evaluated: 2025-04-09. Review status: criteria provided, single submitter. Criteria: ACMG Guidelines, 2015. Collection method: clinical testing. Allele origin: germline. Affected: no.

Blueprint Genetics
Classification: Likely benign. Last evaluated: 2024-11-14. Review status: criteria provided, single submitter. Criteria: ACMG Guidelines, 2015. Collection method: clinical testing. Allele origin: germline.

ARUP Laboratories, Molecular Genetics and Genomics, ARUP Laboratories
Classification: Benign. Last evaluated: 2024-10-25. Review status: criteria provided, single submitter. Criteria: ARUP Molecular Germline Variant Investigation Process 2024. Collection method: clinical testing. Allele origin: germline.

Mayo Clinic Laboratories, Mayo Clinic
Classification: Benign. Last evaluated: 2017-11-14. Review status: criteria provided, single submitter. Criteria: ACMG Guidelines, 2015. Collection method: clinical testing. Allele origin: germline. Observed: 8 variant alleles.

Illumina Laboratory Services, Illumina
Classification: Likely benign for Naxos disease. Last evaluated: 2017-04-27. Review status: criteria provided, single submitter. Criteria: ICSL Variant Classification Criteria 13 December 2019. Collection method: clinical testing. Allele origin: germline.
Comment: This variant was observed as part of a predisposition screen in an ostensibly healthy population. A literature search was performed for the gene, cDNA change, and amino acid change (where applicable). No publications were found based on this search. Allele frequency data from public databases allowed determination this variant is unlikely to cause disease. Therefore, this variant is classified as likely benign.

Illumina Laboratory Services, Illumina
Classification: Likely benign for Arrhythmogenic right ventricular dysplasia 12. Last evaluated: 2017-04-27. Review status: criteria provided, single submitter. Criteria: ICSL Variant Classification Criteria 13 December 2019. Collection method: clinical testing. Allele origin: germline.
Comment: the same text as in the submission from Illumina Laboratory Services, Illumina above.

CHEO Genetics Diagnostic Laboratory, Children's Hospital of Eastern Ontario
Classification: Benign for Cardiomyopathy. Last evaluated: 2016-08-02. Review status: criteria provided, single submitter. Criteria: ACMG Guidelines, 2015. Collection method: clinical testing. Allele origin: germline. Study: Canadian Open Genetics Repository.

Ambry Genetics
Classification: Benign for Cardiovascular phenotype. Last evaluated: 2015-04-20. Review status: criteria provided, single submitter. Criteria: Ambry Variant Classification Scheme 2023. Collection method: clinical testing. Allele origin: germline.

GeneDx
Classification: Benign. Last evaluated: 2014-03-07. Review status: criteria provided, single submitter. Criteria: GeneDx Variant Classification (06012015). Collection method: clinical testing. Allele origin: germline. Affected: yes.
Comment: This variant is considered likely benign or benign based on one or more of the following criteria: it is a conservative change, it occurs at a poorly conserved position in the protein, it is predicted to be benign by multiple in silico algorithms, and/or has population frequency not consistent with disease.

Laboratory for Molecular Medicine, Mass General Brigham Personalized Medicine
Classification: Benign. Last evaluated: 2013-08-22. Review status: criteria provided, single submitter. Criteria: LMM Criteria. Collection method: clinical testing. Allele origin: germline. Observed: 8 variant alleles.
Comment: Leu408Leu in exon 8 of JUP: This variant is not expected to have clinical signif icance because it has been identified in 2.0% (90/4406) of African American chro mosomes from a broad population by the NHLBI Exome Sequencing Project (s.; dbSNP rs2230408).

Breakthrough Genomics
Classification: Likely benign. Review status: criteria provided, single submitter. Criteria: ACMG Guidelines, 2015. Collection method: not provided. Allele origin: germline. Inheritance: Autosomal recessive inheritance. Affected: yes.

Clinical Genetics DNA and cytogenetics Diagnostics Lab, Erasmus MC, Erasmus Medical Center
Classification: Benign. Review status: no assertion criteria provided. Collection method: clinical testing. Allele origin: germline. Affected: yes. Study: VKGL Data-share Consensus. Not counted in ClinVar's aggregate classification.

Clinical Genetics, Academic Medical Center
Classification: Benign. Review status: no assertion criteria provided. Collection method: clinical testing. Allele origin: germline. Affected: yes. Study: VKGL Data-share Consensus. Not counted in ClinVar's aggregate classification.

Joint Genome Diagnostic Labs from Nijmegen and Maastricht, Radboudumc and MUMC+
Classification: Benign. Review status: no assertion criteria provided. Collection method: clinical testing. Allele origin: germline. Affected: yes. Study: VKGL Data-share Consensus. Not counted in ClinVar's aggregate classification.

NM_002230.4(JUP):c.1224C>T (p.Leu408=)

Gene: JUP (junction plakoglobin; minus strand). Cytogenetic location: 17q21.2.
Variant type: single nucleotide variant.
Coding change: c.1224C>T on transcript NM_002230.4 (MANE Select); coding-DNA position 1224, C replaced by T.
Protein change: p.Leu408=; no amino-acid change (leucine 408 retained).
Molecular consequence: synonymous variant.
Genome position (GRCh38, 1-based): chr17:41,763,256, G>A on the plus strand (C>T on the coding strand, the complement: JUP is on the minus strand). VCF-style: chr17-41763256-G-A. GRCh37 (hg19) VCF-style: chr17-39919508-G-A.
Other names: p.L408L:CTC>CTT; p.Leu408=; c.1224C>T, p.Leu408= (NM_001352773.2, NM_001352774.2, NM_001352775.2 and 3 more transcripts); c.1224C>T (NM_002230.3).
Identifiers: ClinVar variation 45832 (VCV000045832.41), dbSNP rs2230408, ClinGen allele CA137124.